The following is an entry in ClinVar:

ClinVar aggregate classification (germline): Pathogenic (1 of 4 stars; one submission).

Conditions:
Sulfite oxidase deficiency due to molybdenum cofactor deficiency type A. Also called: Molybdenum cofactor deficiency, complementation group A; Molybdenum Cofactor Deficiency A. Identifiers: Orphanet 308386, Orphanet 833, MedGen C1854988, MONDO:0009643, OMIM 252150.

Submission:

Labcorp Genetics (formerly Invitae), Labcorp
Classification: Pathogenic for Sulfite oxidase deficiency due to molybdenum cofactor deficiency type A. Last evaluated: 2022-06-29. Review status: criteria provided, single submitter. Criteria: Invitae Variant Classification Sherloc (09022015). Collection method: clinical testing. Allele origin: germline.
Comment: For these reasons, this variant has been classified as Pathogenic. This variant disrupts a region of the MOCS1 protein in which other variant(s) (p.Glu503Alafs*103) have been determined to be pathogenic (PMID: 9731530, 9921896; Invitae). This suggests that this is a clinically significant region of the protein, and that variants that disrupt it are likely to be disease-causing. This variant has not been reported in the literature in individuals affected with MOCS1-related conditions. This variant is not present in population databases (gnomAD no frequency). This sequence change creates a premature translational stop signal (p.Glu384*) in the MOCS1 gene. While this is not anticipated to result in nonsense mediated decay, it is expected to disrupt the last 253 amino acid(s) of the MOCS1 protein.

Literature cited by the submitters: PubMed 9731530; PubMed 9921896.

NM_001358530.2(MOCS1):c.1150G>T (p.Glu384Ter)

Gene: MOCS1 (molybdenum cofactor synthesis 1; minus strand). Cytogenetic location: 6p21.2.
Variant type: single nucleotide variant.
Coding change: c.1150G>T on transcript NM_001358530.2 (MANE Select); coding-DNA position 1150, G replaced by T.
Protein change: p.Glu384Ter; replaces glutamic acid 384 with a stop codon.
Molecular consequence: nonsense. On other transcripts: missense variant (4), intron variant (1).
Genome position (GRCh38, 1-based): chr6:39,909,055, C>A on the plus strand (G>T on the coding strand, the complement: MOCS1 is on the minus strand). VCF-style: chr6-39909055-C-A. GRCh37 (hg19) VCF-style: chr6-39876831-C-A.
Other names: c.1150G>T, p.Gly384Cys (NM_001075098.4, NM_005943.6); c.889G>T, p.Glu297Ter (NM_001358531.2); c.889G>T, p.Gly297Cys (NM_001358533.2, NM_001358534.2); c.1102+780G>T (NM_001358529.2); short protein forms E297*, G297C, G384C, E384*.
Identifiers: ClinVar variation 2005863 (VCV002005863.4), dbSNP rs751603831, ClinGen allele CA364041745.